The following is an entry in ClinVar:

ClinVar aggregate classification (germline): Likely benign. Review status: criteria provided, multiple submitters, no conflicts (2 of 4 stars). 6 submissions from 6 submitters: Likely benign (5). 1 of the submissions does not count toward it. Last evaluated 2026-01-28.

Conditions:
EXOSC3-related disorder. Also called: EXOSC3-related condition.
Inborn genetic diseases. Identifiers: MedGen C0950123, MeSH D030342.
Pontocerebellar hypoplasia type 1B. Also called: EXOSC3 Pontocerebellar Hypoplasia. Identifiers: Orphanet 2254, MedGen C3553449, MONDO:0013853, OMIM 614678.

Allele frequency attached by ClinVar (database versions not stated): gnomAD exomes 0.00018 and 0.00044; ExAC 0.00056; gnomAD 0.00166 and 0.00177; TOPMed 0.00184; 1000 Genomes Project 0.00200; ESP Exome Variant Server 0.00200; 1000 Genomes Project 30x 0.00219.
gnomAD v4.1: 551 of 1,614,072 alleles (0.034%); highest among the groups gnomAD compares: African/African-American, 0.62%; 1 homozygote.

Submissions (6):

Labcorp Genetics (formerly Invitae), Labcorp
Classification: Likely benign for Pontocerebellar hypoplasia type 1B. Last evaluated: 2026-01-28. Review status: criteria provided, single submitter. Criteria: Invitae Variant Classification Sherloc (09022015). Collection method: clinical testing. Allele origin: germline.

Mayo Clinic Laboratories, Mayo Clinic
Classification: Likely benign. Last evaluated: 2025-05-28. Review status: criteria provided, single submitter. Criteria: ACMG Guidelines, 2015. Collection method: clinical testing. Allele origin: germline. Observed: 1 variant allele.
Comment: BS1, BP4_moderate

Ambry Genetics
Classification: Likely benign for Inborn genetic diseases. Last evaluated: 2024-10-21. Review status: criteria provided, single submitter. Criteria: Ambry Variant Classification Scheme 2023. Collection method: clinical testing. Allele origin: germline.

GeneDx
Classification: Likely benign. Last evaluated: 2020-06-29. Review status: criteria provided, single submitter. Criteria: GeneDx Variant Classification Process June 2021. Collection method: clinical testing. Allele origin: germline. Affected: yes.

Breakthrough Genomics
Classification: Likely benign. Review status: criteria provided, single submitter. Criteria: ACMG Guidelines, 2015. Collection method: not provided. Allele origin: germline. Inheritance: Autosomal recessive inheritance. Affected: yes.

PreventionGenetics, part of Exact Sciences
Classification: Likely benign for EXOSC3-related condition. Last evaluated: 2019-03-21. Review status: no assertion criteria provided. Collection method: clinical testing. Allele origin: germline. Not counted in ClinVar's aggregate classification.
Comment: This variant is classified as likely benign based on ACMG/AMP sequence variant interpretation guidelines (Richards et al. 2015 PMID: 25741868, with internal and published modifications).

NM_016042.4(EXOSC3):c.757A>G (p.Ile253Val)

Gene: EXOSC3 (exosome component 3; minus strand). Cytogenetic location: 9p13.2.
Variant type: single nucleotide variant.
Coding change: c.757A>G on transcript NM_016042.4 (MANE Select); coding-DNA position 757, A replaced by G.
Protein change: p.Ile253Val; replaces isoleucine 253 with valine.
Molecular consequence: missense variant. On other transcripts: 3 prime UTR variant (1).
Genome position (GRCh38, 1-based): chr9:37,780,750, T>C on the plus strand (A>G on the coding strand, the complement: EXOSC3 is on the minus strand). VCF-style: chr9-37780750-T-C. GRCh37 (hg19) VCF-style: chr9-37780747-T-C.
Other names: p.Ile253Val; c.*110A>G (NM_001002269.2); c.757A>G (NM_016042.2); short protein forms I253V.
Identifiers: ClinVar variation 384313 (VCV000384313.56), dbSNP rs62640004, ClinGen allele CA5062671.